The following is an entry in ClinVar:

NM_031407.7(HUWE1):c.8146G>C (p.Asp2716His)

Gene: HUWE1 (HECT, UBA and WWE domain containing E3 ubiquitin protein ligase 1; minus strand). Cytogenetic location: Xp11.22.
Variant type: single nucleotide variant.
Coding change: c.8146G>C on transcript NM_031407.7 (MANE Select); coding-DNA position 8146, G replaced by C.
Protein change: p.Asp2716His; replaces aspartic acid 2716 with histidine.
Molecular consequence: missense variant.
Genome position (GRCh38, 1-based): chrX:53,558,669, C>G on the plus strand (G>C on the coding strand, the complement: HUWE1 is on the minus strand). VCF-style: chrX-53558669-C-G. GRCh37 (hg19) VCF-style: chrX-53585630-C-G.
Other names: short protein forms D2716H.
Identifiers: ClinVar variation 3906725 (VCV003906725.1).

ClinVar aggregate classification (germline): Uncertain significance (1 of 4 stars; one submission).

Submission:

GeneDx
Classification: Uncertain significance. Last evaluated: 2024-12-18. Review status: criteria provided, single submitter. Criteria: GeneDx Variant Classification Process June 2021. Collection method: clinical testing. Allele origin: germline. Affected: yes.
Comment: Not observed at significant frequency in large population cohorts (gnomAD); In silico analysis indicates that this missense variant does not alter protein structure/function; Has not been previously published as pathogenic or benign to our knowledge